The following is an entry in ClinVar:

ClinVar aggregate classification (germline): Benign (1 of 4 stars; one submission).

Conditions:
Nephronophthisis 9 (NPHP9). Identifiers: Orphanet 655, MedGen C3151188, MONDO:0013444, OMIM 613824.

Allele frequency attached by ClinVar (database versions not stated): gnomAD exomes 0.00127; 1000 Genomes Project 30x 0.00890; gnomAD 0.00955 and 0.01020; 1000 Genomes Project 0.00958; TOPMed 0.01067.
gnomAD v4.1: 1,438 of 158,446 alleles (0.91%); highest among the groups gnomAD compares: African/African-American, 3.3%; 27 homozygotes.

Submission:

Illumina Laboratory Services, Illumina
Classification: Benign for Nephronophthisis 9. Last evaluated: 2017-04-27. Review status: criteria provided, single submitter. Criteria: ICSL Variant Classification Criteria 13 December 2019. Collection method: clinical testing. Allele origin: germline.
Comment: This variant was observed as part of a predisposition screen in an ostensibly healthy population. A literature search was performed for the gene, cDNA change, and amino acid change (where applicable). No publications were found based on this search. Allele frequency data from public databases was too high to be consistent with this variant causing disease. Therefore, this variant is classified as benign.

NM_178170.3(NEK8):c.*637C>G

Gene: NEK8 (NIMA related kinase 8; plus strand). Cytogenetic location: 17q11.2.
Variant type: single nucleotide variant.
Coding change: c.*637C>G on transcript NM_178170.3 (MANE Select); 637 bases downstream of the stop codon, C replaced by G.
Molecular consequence: 3 prime UTR variant.
Genome position (GRCh38, 1-based): chr17:28,742,624, C>G. VCF-style: chr17-28742624-C-G. GRCh37 (hg19) VCF-style: chr17-27069642-C-G.
Identifiers: ClinVar variation 889136 (VCV000889136.4), dbSNP rs114191927, ClinGen allele CA289116802.